The following is an entry in ClinVar:

NM_182895.5(SCARF2):c.1595C>T (p.Ser532Leu)

Gene: SCARF2 (scavenger receptor class F member 2; minus strand). Cytogenetic location: 22q11.21.
Variant type: single nucleotide variant.
Coding change: c.1595C>T on transcript NM_182895.5 (MANE Select); coding-DNA position 1595, C replaced by T.
Protein change: p.Ser532Leu; replaces serine 532 with leucine.
Molecular consequence: missense variant.
Genome position (GRCh38, 1-based): chr22:20,427,496, G>A on the plus strand (C>T on the coding strand, the complement: SCARF2 is on the minus strand). VCF-style: chr22-20427496-G-A. GRCh37 (hg19) VCF-style: chr22-20781783-G-A.
Other names: c.1610C>T, p.Ser537Leu (NM_153334.7); short protein forms S532L, S537L.
Identifiers: ClinVar variation 3025472 (VCV003025472.22), dbSNP rs747268559, ClinGen allele CA10112326.

ClinVar aggregate classification (germline): Uncertain significance (1 of 4 stars; one submission).

Allele frequency attached by ClinVar (database versions not stated): gnomAD exomes 0.00002; gnomAD 0.00004; ExAC 0.00007; TOPMed 0.00010.
gnomAD v4.1: 37 of 1,613,936 alleles (0.0023%); highest among the groups gnomAD compares: Admixed American, 0.038%; no homozygotes.

Submission:

CeGaT Center for Human Genetics Tuebingen
Classification: Uncertain significance. Last evaluated: 2023-12-01. Review status: criteria provided, single submitter. Criteria: CeGaT Center For Human Genetics Tuebingen Variant Classification Criteria Version 2. Collection method: clinical testing. Allele origin: germline. Affected: yes. Observed: 1 variant allele.
Comment: SCARF2: PM2